The following is an entry in ClinVar:

NM_006218.4(PIK3CA):c.2255T>C (p.Leu752Pro)

Gene: PIK3CA (phosphatidylinositol-4,5-bisphosphate 3-kinase catalytic subunit alpha; plus strand). Cytogenetic location: 3q26.32.
Variant type: single nucleotide variant.
Coding change: c.2255T>C on transcript NM_006218.4 (MANE Select); coding-DNA position 2255, T replaced by C.
Protein change: p.Leu752Pro; replaces leucine 752 with proline.
Molecular consequence: missense variant.
Genome position (GRCh38, 1-based): chr3:179,224,148, T>C. VCF-style: chr3-179224148-T-C. GRCh37 (hg19) VCF-style: chr3-178941936-T-C.
Other names: short protein forms L752P.
Identifiers: ClinVar variation 1788516 (VCV001788516.5), dbSNP rs1418345345, ClinGen allele CA355270791.

ClinVar aggregate classification (germline): Uncertain significance. Review status: criteria provided, multiple submitters, no conflicts (2 of 4 stars). 2 submissions from 2 submitters: Uncertain significance (2). Last evaluated 2023-01-24.

Conditions:
Cowden syndrome (CS). Also called: Cowden's disease; Cowden's syndrome; Cowden disease. Identifiers: Orphanet 201, MedGen C0018553, MONDO:0016063. Disease mechanism: gain of function.
Inborn genetic diseases. Identifiers: MedGen C0950123, MeSH D030342.

Allele frequency attached by ClinVar (database versions not stated): TOPMed below 0.00001; gnomAD 0.00001.

Submissions (2):

Labcorp Genetics (formerly Invitae), Labcorp
Classification: Uncertain significance for Cowden syndrome. Last evaluated: 2023-01-24. Review status: criteria provided, single submitter. Criteria: Invitae Variant Classification Sherloc (09022015). Collection method: clinical testing. Allele origin: germline.
Comment: This sequence change replaces leucine, which is neutral and non-polar, with proline, which is neutral and non-polar, at codon 752 of the PIK3CA protein (p.Leu752Pro). This variant is not present in population databases (gnomAD no frequency). This variant has not been reported in the literature in individuals affected with PIK3CA-related conditions. ClinVar contains an entry for this variant (Variation ID: 1788516). Algorithms developed to predict the effect of missense changes on protein structure and function (SIFT, PolyPhen-2, Align-GVGD) all suggest that this variant is likely to be tolerated. In summary, the available evidence is currently insufficient to determine the role of this variant in disease. Therefore, it has been classified as a Variant of Uncertain Significance.

Ambry Genetics
Classification: Uncertain significance for Inborn genetic diseases. Last evaluated: 2021-11-22. Review status: criteria provided, single submitter. Criteria: Ambry Variant Classification Scheme 2023. Collection method: clinical testing. Allele origin: germline.
Comment: The p.L752P variant (also known as c.2255T>C), located in coding exon 14 of the PIK3CA gene, results from a T to C substitution at nucleotide position 2255. The leucine at codon 752 is replaced by proline, an amino acid with similar properties. This amino acid position is conserved. In addition, the in silico prediction for this alteration is inconclusive. Since supporting evidence is limited at this time, the clinical significance of this alteration remains unclear.